The following is an entry in ClinVar:

NM_181776.3(SLC36A2):c.1181-3C>T

Gene: SLC36A2 (solute carrier family 36 member 2; minus strand). Cytogenetic location: 5q33.1.
Variant type: single nucleotide variant.
Coding change: c.1181-3C>T on transcript NM_181776.3 (MANE Select); 3 bases into the intron before coding-DNA position 1181, C replaced by T.
Molecular consequence: intron variant.
Genome position (GRCh38, 1-based): chr5:151,317,091, G>A on the plus strand (C>T on the coding strand, the complement: SLC36A2 is on the minus strand). VCF-style: chr5-151317091-G-A. GRCh37 (hg19) VCF-style: chr5-150696652-G-A.
Identifiers: ClinVar variation 509409 (VCV000509409.1), dbSNP rs771379718, ClinGen allele CA3518599.

ClinVar aggregate classification (germline): Likely benign (1 of 4 stars; one submission).

Allele frequency attached by ClinVar (database versions not stated): ExAC 0.00003; gnomAD exomes 0.00003; gnomAD 0.00005 and 0.00006; TOPMed 0.00007.
gnomAD v4.1: 20 of 1,613,784 alleles (0.0012%); highest among the groups gnomAD compares: African/African-American, 0.016%; no homozygotes.

Submission:

GeneDx
Classification: Likely benign. Last evaluated: 2017-05-09. Review status: criteria provided, single submitter. Criteria: GeneDx Variant Classification (06012015). Collection method: clinical testing. Allele origin: germline. Affected: yes.
Comment: This variant is considered likely benign or benign based on one or more of the following criteria: it is a conservative change, it occurs at a poorly conserved position in the protein, it is predicted to be benign by multiple in silico algorithms, and/or has population frequency not consistent with disease.